The following is an entry in ClinVar:

NM_000530.8(MPZ):c.448+1G>A

Gene: MPZ (myelin protein zero; minus strand). Cytogenetic location: 1q23.3.
Variant type: single nucleotide variant.
Coding change: c.448+1G>A on transcript NM_000530.8 (MANE Select); the canonical splice donor site of the intron after coding-DNA position 448, G replaced by A.
Molecular consequence: splice donor variant.
Genome position (GRCh38, 1-based): chr1:161,306,707, C>T on the plus strand (G>A on the coding strand, the complement: MPZ is on the minus strand). VCF-style: chr1-161306707-C-T. GRCh37 (hg19) VCF-style: chr1-161276497-C-T.
Other names: c.448+1G>A (NM_000530.6, NM_001315491.2).
Identifiers: ClinVar variation 2504290 (VCV002504290.8), dbSNP rs1407955132, ClinGen allele CA343348079.

ClinVar aggregate classification (germline): Pathogenic/Likely pathogenic. Review status: criteria provided, multiple submitters, no conflicts (2 of 4 stars). 4 submissions from 4 submitters: Pathogenic (1); Likely pathogenic (3). Last evaluated 2025-12-18.

Conditions:
Inborn genetic diseases. Identifiers: MedGen C0950123, MeSH D030342.
Charcot-Marie-Tooth disease, type I (CMT1). Also called: Charcot-Marie-Tooth, Type 1; Charcot-Marie-Tooth disease type 1. Identifiers: Orphanet 65753, MedGen C0751036, MONDO:0019011.
Charcot-Marie-Tooth disease type 1B. Also called: PERONEAL MUSCULAR ATROPHY; CHARCOT-MARIE-TOOTH DISEASE, AUTOSOMAL DOMINANT, WITH FOCALLY FOLDED MYELIN SHEATHS, TYPE 1B; CHARCOT-MARIE-TOOTH DISEASE, SLOW NERVE CONDUCTION TYPE, LINKED TO DUFFY; CHARCOT-MARIE-TOOTH NEUROPATHY, TYPE 1B; HEREDITARY MOTOR AND SENSORY NEUROPATHY I; HEREDITARY MOTOR AND SENSORY NEUROPATHY IB. Identifiers: Orphanet 101082, MedGen C0270912, MONDO:0007307, OMIM 118200.

Allele frequency attached by ClinVar (database versions not stated): gnomAD exomes below 0.00001.
gnomAD v4.1: 1 of 1,613,976 alleles (0.000062%); highest among the groups gnomAD compares: Non-Finnish European, 0.000085%; no homozygotes.

Submissions (4):

GeneDx
Classification: Pathogenic. Last evaluated: 2025-12-18. Review status: criteria provided, single submitter. Criteria: GeneDx Variant Classification Process June 2021. Collection method: clinical testing. Allele origin: germline. Affected: yes.
Comment: Truncating variants in this gene are considered pathogenic by a well-established clinical consortium and/or database (PMID: 25614874); Canonical splice site variant predicted to result in a null allele in a gene for which loss of function is a known mechanism of disease; Not observed at significant frequency in large population cohorts (gnomAD); This variant is associated with the following publications: (PMID: 33179255, 25614874)

Women's Health and Genetics/Laboratory Corporation of America, LabCorp
Classification: Likely pathogenic for Charcot-Marie-Tooth disease type 1B. Last evaluated: 2025-02-10. Review status: criteria provided, single submitter. Criteria: LabCorp Variant Classification Summary - May 2015. Collection method: clinical testing. Allele origin: germline.
Comment: Variant summary: MPZ c.448+1G>A is located in a canonical splice-site and is predicted to affect mRNA splicing resulting in a significantly altered protein due to either exon skipping, shortening, or inclusion of intronic material. Variants that disrupt the consensus splice site are a relatively common cause of aberrant splicing and loss of MPZ function. Several computational tools predict a significant impact on normal splicing: Four predict the variant abolishes a 5' splicing donor site. Four predict the variant creates a 5' donor site. However, these predictions have yet to be confirmed by functional studies. The variant allele was found at a frequency of 6.2e-07 in 1613976 control chromosomes. c.448+1G>A has been reported in the literature in an study to screening for variants in genes associated with Charcot-Marie-Tooth disease type 1B without variant carrier data provided (DiVincenzo_2014). These report(s) do not provide unequivocal conclusions about association of the variant with Charcot-Marie-Tooth disease type 1B. To our knowledge, no experimental evidence demonstrating an impact on protein function has been reported. The following publication have been ascertained in the context of this evaluation (PMID: 25614874). ClinVar contains an entry for this variant (Variation ID: 2504290). Based on the evidence outlined above, the variant was classified as likely pathogenic.

Ambry Genetics
Classification: Likely pathogenic for Inborn genetic diseases. Last evaluated: 2024-01-09. Review status: criteria provided, single submitter. Criteria: Ambry Variant Classification Scheme 2023. Collection method: clinical testing. Allele origin: germline.
Comment: The c.448+1G>A intronic variant results from a G to A substitution one nucleotide after coding exon 3 of the MPZ gene. Alterations that disrupt the canonical splice site are expected to cause aberrant splicing, resulting in an abnormal protein or a transcript that is subject to nonsense-mediated mRNA decay._x000D_ _x000D_ for autosomal dominant MPZ-related Charcot-Marie-Tooth disease, type 1 and autosomal recessive MPZ-related Dejerine-Sottas Disease; however, its clinical significance for autosomal dominant MPZ-related neuropathic disorders is uncertain. This variant was not reported in population-based cohorts in the Genome Aggregation Database (gnomAD). This variant has been identified in at least one individual with an inherited neuropathy; however, clinical details were limited (DiVincenzo, 2014). This nucleotide position is highly conserved in available vertebrate species. In silico splice site analysis predicts that this alteration will weaken the native splice donor site and may result in the creation or strengthening of a novel splice donor site. Based on the available evidence, this alteration is classified as likely pathogenic.

Labcorp Genetics (formerly Invitae), Labcorp
Classification: Likely pathogenic for Charcot-Marie-Tooth disease, type I. Last evaluated: 2023-06-23. Review status: criteria provided, single submitter. Criteria: Invitae Variant Classification Sherloc (09022015). Collection method: clinical testing. Allele origin: germline.
Comment: This sequence change affects a donor splice site in intron 3 of the MPZ gene. It is expected to disrupt RNA splicing. Variants that disrupt the donor or acceptor splice site typically lead to a loss of protein function (PMID: 16199547), and loss-of-function variants in MPZ are known to be pathogenic (PMID: 14711881). This variant is not present in population databases (gnomAD no frequency). Disruption of this splice site has been observed in individual(s) with Charcot-Marie-Tooth disease (PMID: 25614874). ClinVar contains an entry for this variant (Variation ID: 2504290). Algorithms developed to predict the effect of sequence changes on RNA splicing suggest that this variant may disrupt the consensus splice site. In summary, the currently available evidence indicates that the variant is pathogenic, but additional data are needed to prove that conclusively. Therefore, this variant has been classified as Likely Pathogenic.

Literature cited by the submitters: PubMed 25614874 (cited by 3 submitters); PubMed 16199547 (cited by Labcorp Genetics (formerly Invitae), Labcorp); PubMed 14711881 (cited by Labcorp Genetics (formerly Invitae), Labcorp).